The following is an entry in ClinVar:

NM_001184.4(ATR):c.407G>C (p.Ser136Thr)

Gene: ATR (ATR checkpoint kinase; minus strand). Cytogenetic location: 3q23.
Variant type: single nucleotide variant.
Coding change: c.407G>C on transcript NM_001184.4 (MANE Select); coding-DNA position 407, G replaced by C.
Protein change: p.Ser136Thr; replaces serine 136 with threonine.
Molecular consequence: missense variant.
Genome position (GRCh38, 1-based): chr3:142,562,995, C>G on the plus strand (G>C on the coding strand, the complement: ATR is on the minus strand). VCF-style: chr3-142562995-C-G. GRCh37 (hg19) VCF-style: chr3-142281837-C-G.
Other names: c.407G>C, p.Ser136Thr (NM_001354579.2); short protein forms S136T.
Identifiers: ClinVar variation 2624941 (VCV002624941.5), dbSNP rs2473429894, ClinGen allele CA354827102.

ClinVar aggregate classification (germline): Uncertain significance. Review status: criteria provided, multiple submitters, no conflicts (2 of 4 stars). 2 submissions from 2 submitters: Uncertain significance (2). Last evaluated 2023-08-03.

Conditions:
Inborn genetic diseases. Identifiers: MedGen C0950123, MeSH D030342.

Submissions (2):

Ambry Genetics
Classification: Uncertain significance for Inborn genetic diseases. Last evaluated: 2023-08-03. Review status: criteria provided, single submitter. Criteria: Ambry Variant Classification Scheme 2023. Collection method: clinical testing. Allele origin: germline.
Comment: The p.S136T variant (also known as c.407G>C), located in coding exon 4 of the ATR gene, results from a G to C substitution at nucleotide position 407. The serine at codon 136 is replaced by threonine, an amino acid with similar properties. This amino acid position is conserved. In addition, this alteration is predicted to be tolerated by in silico analysis. Since supporting evidence is limited at this time, the clinical significance of this alteration remains unclear.

Labcorp Genetics (formerly Invitae), Labcorp
Classification: Uncertain significance. Last evaluated: 2023-04-28. Review status: criteria provided, single submitter. Criteria: Invitae Variant Classification Sherloc (09022015). Collection method: clinical testing. Allele origin: germline.
Comment: This variant is not present in population databases (gnomAD no frequency). In summary, the available evidence is currently insufficient to determine the role of this variant in disease. Therefore, it has been classified as a Variant of Uncertain Significance. Algorithms developed to predict the effect of missense changes on protein structure and function output the following: SIFT: "Not Available"; PolyPhen-2: "Benign"; Align-GVGD: "Not Available". The threonine amino acid residue is found in multiple mammalian species, which suggests that this missense change does not adversely affect protein function. This variant has not been reported in the literature in individuals affected with ATR-related conditions. This sequence change replaces serine, which is neutral and polar, with threonine, which is neutral and polar, at codon 136 of the ATR protein (p.Ser136Thr).